The following is an entry in ClinVar:

ClinVar aggregate classification (germline): Benign (1 of 4 stars; one submission).

Submission:

CeGaT Center for Human Genetics Tuebingen
Classification: Benign. Last evaluated: 2022-10-01. Review status: criteria provided, single submitter. Criteria: CeGaT Center For Human Genetics Tuebingen Variant Classification Criteria Version 2. Collection method: clinical testing. Allele origin: germline. Affected: yes. Observed: 3 variant alleles.
Comment: KCNQ1OT1: BS1, BS2

NM_000218.3(KCNQ1):c.1393+31346TA[7]

Genes: KCNQ1 (potassium voltage-gated channel subfamily Q member 1; plus strand), KCNQ1OT1 (KCNQ1 opposite strand/antisense transcript 1; minus strand). Cytogenetic location: 11p15.5.
Variant type: Microsatellite.
Coding change: c.1393+31346TA[7] on transcript NM_000218.3 (MANE Select); seven copies in a row of the 2-base unit TA starting at c.1393+31346.
Molecular consequence: intron variant. On other transcripts: non-coding transcript variant (1).
Genome position: GRCh38 VCF-style: chr11-2620199-G-GTA. GRCh37 (hg19) VCF-style: chr11-2641429-G-GTA.
Other names: c.1123+31346TA[7] (NM_001406837.1); c.1297+31346TA[7] (NM_001406836.1); c.853+31346TA[7] (NM_001406838.1); c.1012+31346TA[7] (NM_181798.2).
Identifiers: ClinVar variation 2641381 (VCV002641381.24), dbSNP rs140322945, ClinGen allele CA597432564.